The following is an entry in ClinVar:

NM_001384125.1(BLTP1):c.11131C>T (p.Leu3711Phe)

Gene: BLTP1 (bridge-like lipid transfer protein family member 1; plus strand). Cytogenetic location: 4q27.
Variant type: single nucleotide variant.
Coding change: c.11131C>T on transcript NM_001384125.1 (MANE Select); coding-DNA position 11131, C replaced by T.
Protein change: p.Leu3711Phe; replaces leucine 3711 with phenylalanine.
Molecular consequence: missense variant.
Genome position (GRCh38, 1-based): chr4:122,325,255, C>T. VCF-style: chr4-122325255-C-T. GRCh37 (hg19) VCF-style: chr4-123246410-C-T.
Other names: c.10930C>T, p.Leu3644Phe (NM_015312.4); short protein forms L3644F, L3711F.
Identifiers: ClinVar variation 2540201 (VCV002540201.4), dbSNP rs757690191, ClinGen allele CA3067679.
Genomic context (GRCh38, chr4:122,325,255, plus strand): 5'-ATATTGGTGTTTTATAACTTTATATTTACTTGCAGTTCTCGAGTAGGAGAAACTGAAGAG[C>T]TCCCAGAAATCCGTGTGGATGCAGCATCTCCTGGACCTAGAGTAACTTTTAATATCCAGG-3'
Protein context (NP_001371054.1, residues 3701-3721): ASSRVGETEE[Leu3711Phe]PEIRVDAASP

ClinVar aggregate classification (germline): Uncertain significance. Review status: criteria provided, multiple submitters, no conflicts (2 of 4 stars). 2 submissions from 2 submitters: Uncertain significance (2). Last evaluated 2025-05-23.

Allele frequency attached by ClinVar (database versions not stated): ExAC 0.00002; gnomAD 0.00003; TOPMed 0.00003; gnomAD exomes 0.00004.
gnomAD v4.1: 59 of 1,608,372 alleles (0.0037%); highest among the groups gnomAD compares: Non-Finnish European, 0.005%; no homozygotes.

Submissions (2):

Ambry Genetics
Classification: Uncertain significance. Last evaluated: 2025-05-23. Review status: criteria provided, single submitter. Criteria: Ambry Variant Classification Scheme 2023. Collection method: clinical testing. Allele origin: germline.

GeneDx
Classification: Uncertain significance. Last evaluated: 2025-03-10. Review status: criteria provided, single submitter. Criteria: GeneDx Variant Classification Process June 2021. Collection method: clinical testing. Allele origin: germline. Affected: yes.
Comment: Has not been previously published as pathogenic or benign to our knowledge; In silico analysis indicates that this missense variant does not alter protein structure/function